The following is an entry in ClinVar:

NM_001035.3(RYR2):c.10283T>G (p.Met3428Arg)

Gene: RYR2 (ryanodine receptor 2; plus strand). Cytogenetic location: 1q43.
Variant type: single nucleotide variant.
Coding change: c.10283T>G on transcript NM_001035.3 (MANE Select); coding-DNA position 10283, T replaced by G.
Protein change: p.Met3428Arg; replaces methionine 3428 with arginine.
Molecular consequence: missense variant.
Genome position (GRCh38, 1-based): chr1:237,711,797, T>G. VCF-style: chr1-237711797-T-G. GRCh37 (hg19) VCF-style: chr1-237875097-T-G.
Other names: short protein forms M3428R.
Identifiers: ClinVar variation 1171559 (VCV001171559.5), dbSNP rs2149079618, ClinGen allele CA345412654.

ClinVar aggregate classification (germline): Uncertain significance. Review status: criteria provided, multiple submitters, no conflicts (2 of 4 stars). 2 submissions from 2 submitters: Uncertain significance (2). Last evaluated 2024-03-06.

Conditions:
Catecholaminergic polymorphic ventricular tachycardia (CVPT). Also called: Catecholamine-induced polymorphic ventricular tachycardia. Identifiers: Orphanet 3286, MedGen C5574922, MONDO:0017990.
Cardiomyopathy (CMYO). Also called: Cardiomyopathies. Identifiers: Orphanet 167848, MedGen C0878544, MONDO:0004994, HP:0001638. Inheritance: Various modes of inheritance.

Submissions (2):

Color Diagnostics, LLC DBA Color Health
Classification: Uncertain significance for Cardiomyopathy. Last evaluated: 2024-03-06. Review status: criteria provided, single submitter. Criteria: ACMG Guidelines, 2015. Collection method: clinical testing. Allele origin: germline.
Comment: This missense variant replaces methionine with arginine at codon 3428 of the RYR2 protein. Computational prediction suggests that this variant may have deleterious impact on protein structure and function (internally defined REVEL score threshold >= 0.7, PMID: 27666373). To our knowledge, functional studies have not been reported for this variant. This variant has not been reported in individuals affected with cardiovascular disorders in the literature. This variant has not been identified in the general population by the Genome Aggregation Database (gnomAD). The available evidence is insufficient to determine the role of this variant in disease conclusively. Therefore, this variant is classified as a Variant of Uncertain Significance.

All of Us Research Program, National Institutes of Health
Classification: Uncertain significance for Catecholaminergic polymorphic ventricular tachycardia. Last evaluated: 2023-06-26. Review status: criteria provided, single submitter. Criteria: ACMG Guidelines, 2015. Collection method: clinical testing. Allele origin: germline. Inheritance: Autosomal dominant inheritance. Observed: 1 variant allele, 1 heterozygote.
Comment: This missense variant replaces methionine with arginine at codon 3428 of the RYR2 protein. Computational prediction suggests that this variant may have deleterious impact on protein structure and function (internally defined REVEL score threshold >= 0.7, PMID: 27666373). To our knowledge, functional studies have not been reported for this variant. This variant has not been reported in individuals affected with cardiovascular disorders in the literature. This variant has not been identified in the general population by the Genome Aggregation Database (gnomAD). The available evidence is insufficient to determine the role of this variant in disease conclusively. Therefore, this variant is classified as a Variant of Uncertain Significance.

This study involves interpretation of variants in research participants for the purpose of population health screening. Participant phenotype was not available at the time of variant classification. Additional details can be found in publication PMID: 35346344, PMCID: PMC8962531